The following is an entry in ClinVar:

ClinVar aggregate classification (germline): Uncertain significance. Review status: criteria provided, multiple submitters, no conflicts (2 of 4 stars). 2 submissions from 2 submitters: Uncertain significance (2). Last evaluated 2023-06-30.

Conditions:
Autosomal dominant Parkinson disease 8. Also called: LRRK2-Related Parkinson Disease; Parkinson disease 8; Parkinson disease 8, susceptibility to. Identifiers: Orphanet 411602, MedGen C1846862, MONDO:0011764, OMIM 607060.
Inborn genetic diseases. Identifiers: MedGen C0950123, MeSH D030342.

gnomAD v4.1: 3 of 1,613,788 alleles (0.00019%); highest among the groups gnomAD compares: Admixed American, 0.0033%; no homozygotes.

Submissions (2):

Ambry Genetics
Classification: Uncertain significance for Inborn genetic diseases. Last evaluated: 2023-06-30. Review status: criteria provided, single submitter. Criteria: Ambry Variant Classification Scheme 2023. Collection method: clinical testing. Allele origin: germline.
Comment: The p.H1229R variant (also known as c.3686A>G), located in coding exon 27 of the LRRK2 gene, results from an A to G substitution at nucleotide position 3686. The histidine at codon 1229 is replaced by arginine, an amino acid with highly similar properties. This amino acid position is conserved. In addition, this alteration is predicted to be tolerated by in silico analysis. Since supporting evidence is limited at this time, the clinical significance of this alteration remains unclear.

Labcorp Genetics (formerly Invitae), Labcorp
Classification: Uncertain significance for Autosomal dominant Parkinson disease 8. Last evaluated: 2022-06-23. Review status: criteria provided, single submitter. Criteria: Invitae Variant Classification Sherloc (09022015). Collection method: clinical testing. Allele origin: germline.
Comment: This variant is not present in population databases (gnomAD no frequency). This sequence change replaces histidine, which is basic and polar, with arginine, which is basic and polar, at codon 1229 of the LRRK2 protein (p.His1229Arg). This variant has not been reported in the literature in individuals affected with LRRK2-related conditions. In summary, the available evidence is currently insufficient to determine the role of this variant in disease. Therefore, it has been classified as a Variant of Uncertain Significance. Algorithms developed to predict the effect of missense changes on protein structure and function (SIFT, PolyPhen-2, Align-GVGD) all suggest that this variant is likely to be tolerated.

NM_198578.4(LRRK2):c.3686A>G (p.His1229Arg)

Gene: LRRK2 (leucine rich repeat kinase 2; plus strand). Cytogenetic location: 12q12.
Variant type: single nucleotide variant.
Coding change: c.3686A>G on transcript NM_198578.4 (MANE Select); coding-DNA position 3686, A replaced by G.
Protein change: p.His1229Arg; replaces histidine 1229 with arginine.
Molecular consequence: missense variant.
Genome position (GRCh38, 1-based): chr12:40,304,043, A>G. VCF-style: chr12-40304043-A-G. GRCh37 (hg19) VCF-style: chr12-40697845-A-G.
Other names: c.3686A>G (NM_198578.3); short protein forms H1229R.
Identifiers: ClinVar variation 2051523 (VCV002051523.6), dbSNP rs770448977, ClinGen allele CA384416726.
Genomic context (GRCh38, chr12:40,304,043, plus strand): 5'-AGTACCTACCAGGTCCCGCACACTGGAAATCTTTGAACTTAAGGGAACTCTTATTTAGCC[A>G]TAATCAGATCAGCATCTTGGACTTGAGTGAAAAAGCATATTTATGGTCTAGAGTAGAGAA-3'
Protein context (NP_940980.4, residues 1219-1239): SLNLRELLFS[His1229Arg]NQISILDLSE